The following is an entry in ClinVar:

ClinVar aggregate classification (germline): Conflicting classifications of pathogenicity. Review status: criteria provided, conflicting classifications (1 of 4 stars). 3 submissions from 3 submitters: Uncertain significance (2); Likely benign (1). Last evaluated 2025-01-16.

Conditions:
Hereditary cancer-predisposing syndrome. Also called: Hereditary Cancer Syndrome; Tumor predisposition; Neoplastic Syndromes, Hereditary; Hereditary neoplastic syndrome. Identifiers: Orphanet 140162, MedGen C0027672, MeSH D009386, MONDO:0015356.

Submissions (3):

Ambry Genetics
Classification: Uncertain significance for Hereditary cancer-predisposing syndrome. Last evaluated: 2025-01-16. Review status: criteria provided, single submitter. Criteria: Ambry Variant Classification Scheme 2023. Collection method: clinical testing. Allele origin: germline.
Comment: The p.P606L variant (also known as c.1817C>T), located in coding exon 9 of the BRCA1 gene, results from a C to T substitution at nucleotide position 1817. The proline at codon 606 is replaced by leucine, an amino acid with similar properties. This amino acid position is not well conserved in available vertebrate species. In addition, the in silico prediction for this alteration is inconclusive. Based on the available evidence, the clinical significance of this variant remains unclear.

University of Washington Department of Laboratory Medicine, University of Washington
Classification: Likely benign for Hereditary cancer-predisposing syndrome. Last evaluated: 2023-03-23. Review status: criteria provided, single submitter. Criteria: Dines et al. (Genet Med. 2020). Collection method: curation. Allele origin: germline.
Comment: Missense variant in a coldspot region where missense variants are very unlikely to be pathogenic (PMID:31911673).

BRCA1 coldspot (exon 11 using historical exon numbering). Reclassification based on statistical prior probability

Women's Health and Genetics/Laboratory Corporation of America, LabCorp
Classification: Uncertain significance. Last evaluated: 2021-11-01. Review status: criteria provided, single submitter. Criteria: LabCorp Variant Classification Summary - May 2015. Collection method: clinical testing. Allele origin: germline.
Comment: Variant summary: BRCA1 c.1817C>T (p.Pro606Leu) results in a non-conservative amino acid change in the encoded protein sequence. Four of five in-silico tools predict a benign effect of the variant on protein function. The variant was absent in 251010 control chromosomes; the available data on variant occurrences in the general population are insufficient to allow any conclusion about variant significance. To our knowledge, no occurrence of c.1817C>T in individuals affected with Hereditary Breast And Ovarian Cancer Syndrome and no experimental evidence demonstrating its impact on protein function have been reported. No clinical diagnostic laboratories have submitted clinical-significance assessments for this variant to ClinVar after 2014. Based on the evidence outlined above, the variant was classified as uncertain significance.

NM_007294.4(BRCA1):c.1817C>T (p.Pro606Leu)

Gene: BRCA1 (BRCA1 DNA repair associated; minus strand). Cytogenetic location: 17q21.31.
Variant type: single nucleotide variant.
Coding change: c.1817C>T on transcript NM_007294.4 (MANE Select); coding-DNA position 1817, C replaced by T.
Protein change: p.Pro606Leu; replaces proline 606 with leucine.
Molecular consequence: missense variant. On other transcripts: intron variant (137).
Genome position (GRCh38, 1-based): chr17:43,093,714, G>A on the plus strand (C>T on the coding strand, the complement: BRCA1 is on the minus strand). VCF-style: chr17-43093714-G-A. GRCh37 (hg19) VCF-style: chr17-41245731-G-A.
Other names: c.1814C>T, p.Pro605Leu (NM_001407627.1, NM_001407587.1, NM_001407590.1 and 22 more transcripts); c.1691C>T, p.Pro564Leu (NM_001407691.1, NM_001407649.1, NM_001407670.1 and 11 more transcripts); c.1607C>T, p.Pro536Leu (NM_001407902.1, NM_001407904.1, NM_001407906.1 and 13 more transcripts); c.1553C>T, p.Pro518Leu (NM_001407921.1, NM_001407922.1, NM_001407923.1 and 9 more transcripts); c.1604C>T, p.Pro535Leu (NM_001407917.1, NM_001407915.1, NM_001407918.1 and 9 more transcripts); c.1694C>T, p.Pro565Leu (NM_001407919.1, NM_001407648.1, NM_001407664.1 and 19 more transcripts); c.787+1030C>T (NM_001407968.1, NM_001407973.1, NM_001408403.1 and 19 more transcripts); c.577+1030C>T (NM_001408492.1, NM_001408513.1, NM_001408489.1 and 9 more transcripts); and 40 more; short protein forms P559L, P606L, P310L, P479L, P536L, P538L, P580L, P495L.
Identifiers: ClinVar variation 1329037 (VCV001329037.5), dbSNP rs2154419849, ClinGen allele CA10598381.